The following is an entry in ClinVar:

ClinVar aggregate classification (germline): Uncertain significance. Review status: criteria provided, multiple submitters, no conflicts (2 of 4 stars). 3 submissions from 3 submitters: Uncertain significance (2). 1 of the submissions does not count toward it. Last evaluated 2024-06-12.

Conditions:
Glycogen storage disease type III (GSD3). Also called: Cori disease; FORBES DISEASE. Identifiers: Orphanet 366, MedGen C0017922, MONDO:0009291, OMIM 232400.

Allele frequency attached by ClinVar (database versions not stated): gnomAD 0.00001; TOPMed 0.00001; ExAC 0.00002.
gnomAD v4.1: 20 of 1,613,314 alleles (0.0012%); highest among the groups gnomAD compares: Non-Finnish European, 0.0017%; no homozygotes.

Submissions (3):

Labcorp Genetics (formerly Invitae), Labcorp
Classification: Uncertain significance for Glycogen storage disease type III. Last evaluated: 2024-06-12. Review status: criteria provided, single submitter. Criteria: Invitae Variant Classification Sherloc (09022015). Collection method: clinical testing. Allele origin: germline.
Comment: This sequence change replaces arginine, which is basic and polar, with serine, which is neutral and polar, at codon 898 of the AGL protein (p.Arg898Ser). This variant is present in population databases (rs757076841, gnomAD 0.002%). This variant has not been reported in the literature in individuals affected with AGL-related conditions. ClinVar contains an entry for this variant (Variation ID: 644481). Advanced modeling of protein sequence and biophysical properties (such as structural, functional, and spatial information, amino acid conservation, physicochemical variation, residue mobility, and thermodynamic stability) performed at Invitae indicates that this missense variant is not expected to disrupt AGL protein function with a negative predictive value of 80%. In summary, the available evidence is currently insufficient to determine the role of this variant in disease. Therefore, it has been classified as a Variant of Uncertain Significance.

Blueprint Genetics
Classification: Uncertain significance. Last evaluated: 2023-03-28. Review status: criteria provided, single submitter. Criteria: ACMG Guidelines, 2015. Collection method: clinical testing. Allele origin: germline.

Natera, Inc.
Classification: Uncertain significance for Glycogen storage disease type III. Last evaluated: 2020-02-27. Review status: no assertion criteria provided. Collection method: clinical testing. Allele origin: germline. Not counted in ClinVar's aggregate classification.

NM_000642.3(AGL):c.2694A>T (p.Arg898Ser)

Gene: AGL (amylo-alpha-1,6-glucosidase and 4-alpha-glucanotransferase; plus strand). Cytogenetic location: 1p21.2.
Variant type: single nucleotide variant.
Coding change: c.2694A>T on transcript NM_000642.3 (MANE Select); coding-DNA position 2694, A replaced by T.
Protein change: p.Arg898Ser; replaces arginine 898 with serine.
Molecular consequence: missense variant.
Genome position (GRCh38, 1-based): chr1:99,887,990, A>T. VCF-style: chr1-99887990-A-T. GRCh37 (hg19) VCF-style: chr1-100353546-A-T.
Other names: c.2694A>T, p.Arg898Ser (NM_000028.3, NM_000643.3, NM_000644.3 and 2 more transcripts); c.2646A>T, p.Arg882Ser (NM_000646.3); c.2493A>T, p.Arg831Ser (NM_001425327.1); c.2490A>T, p.Arg830Ser (NM_001425328.1); c.2355A>T, p.Arg785Ser (NM_001425329.1); c.2316A>T, p.Arg772Ser (NM_001425332.1); short protein forms R898S, R882S, R772S, R785S, R830S, R831S.
Identifiers: ClinVar variation 644481 (VCV000644481.10), dbSNP rs757076841, ClinGen allele CA966872.